The following is an entry in ClinVar:

NM_000270.4(PNP):c.746A>C (p.Tyr249Ser)

Gene: PNP (purine nucleoside phosphorylase; plus strand). Cytogenetic location: 14q11.2.
Variant type: single nucleotide variant.
Coding change: c.746A>C on transcript NM_000270.4 (MANE Select); coding-DNA position 746, A replaced by C.
Protein change: p.Tyr249Ser; replaces tyrosine 249 with serine.
Molecular consequence: missense variant.
Genome position (GRCh38, 1-based): chr14:20,476,477, A>C. VCF-style: chr14-20476477-A-C. GRCh37 (hg19) VCF-style: chr14-20944636-A-C.
Other names: short protein forms Y249S.
Identifiers: ClinVar variation 1879267 (VCV001879267.29), dbSNP rs912415165, ClinGen allele CA389146064.
Genomic context (GRCh38, chr14:20,476,477, plus strand): 5'-GGCACTGTGGACTTCGAGTCTTTGGCTTCTCACTCATCACTAACAAGGTCATCATGGATT[A>C]TGAAAGCCTGGAGAAGGCCAACCATGAAGAAGTCTTAGCAGCTGGCAAACAAGCTGCACA-3'
Protein context (NP_000261.2, residues 239-259): SLITNKVIMD[Tyr249Ser]ESLEKANHEE

ClinVar aggregate classification (germline): Uncertain significance (1 of 4 stars; one submission).

Submission:

CeGaT Center for Human Genetics Tuebingen
Classification: Uncertain significance. Last evaluated: 2022-12-01. Review status: criteria provided, single submitter. Criteria: CeGaT Center For Human Genetics Tuebingen Variant Classification Criteria Version 2. Collection method: clinical testing. Allele origin: germline. Affected: yes. Observed: 2 variant alleles.
Comment: PNP: PM2, PP4